The following is an entry in ClinVar:

ClinVar aggregate classification (germline): Likely benign (1 of 4 stars; one submission).

Allele frequency attached by ClinVar (database versions not stated): gnomAD exomes 0.00004; ExAC 0.00007; gnomAD 0.00009; TOPMed 0.00010.
gnomAD v4.1: 83 of 1,613,162 alleles (0.0051%); highest among the groups gnomAD compares: Middle Eastern, 0.082%; no homozygotes.

Submission:

CeGaT Center for Human Genetics Tuebingen
Classification: Likely benign. Last evaluated: 2024-06-01. Review status: criteria provided, single submitter. Criteria: CeGaT Center For Human Genetics Tuebingen Variant Classification Criteria Version 2. Collection method: clinical testing. Allele origin: germline. Affected: yes. Observed: 1 variant allele.
Comment: NTNG2: BP4, BP7

NM_032536.4(NTNG2):c.750C>T (p.Thr250=)

Gene: NTNG2 (netrin G2; plus strand). Cytogenetic location: 9q34.13.
Variant type: single nucleotide variant.
Coding change: c.750C>T on transcript NM_032536.4 (MANE Select); coding-DNA position 750, C replaced by T.
Protein change: p.Thr250=; no amino-acid change (threonine 250 retained).
Molecular consequence: synonymous variant.
Genome position (GRCh38, 1-based): chr9:132,198,502, C>T. VCF-style: chr9-132198502-C-T. GRCh37 (hg19) VCF-style: chr9-135073889-C-T.
Identifiers: ClinVar variation 3250589 (VCV003250589.18), dbSNP rs535926304.